The following is an entry in ClinVar:

NM_000377.3(WAS):c.1298C>T (p.Ala433Val)

Gene: WAS (WASP actin nucleation promoting factor; plus strand). Cytogenetic location: Xp11.23.
Variant type: single nucleotide variant.
Coding change: c.1298C>T on transcript NM_000377.3 (MANE Select); coding-DNA position 1298, C replaced by T.
Protein change: p.Ala433Val; replaces alanine 433 with valine.
Molecular consequence: missense variant.
Genome position (GRCh38, 1-based): chrX:48,689,026, C>T. VCF-style: chrX-48689026-C-T. GRCh37 (hg19) VCF-style: chrX-48547415-C-T.
Other names: c.1142C>T, p.Ala381Val (NM_001438876.1, NM_001438878.1); c.1298C>T, p.Ala433Val (NM_001438877.1, NM_001438879.1); short protein forms A381V, A433V.
Identifiers: ClinVar variation 4794202 (VCV004794202.1).

ClinVar aggregate classification (germline): Uncertain significance (1 of 4 stars; one submission).

Conditions:
Wiskott-Aldrich syndrome (WAS). Also called: ALDRICH SYNDROME; IMMUNODEFICIENCY 2; WISKOTT-ALDRICH SYNDROME 1; Wiskott-aldrich syndrome, somatic. Identifiers: Orphanet 906, MedGen C0043194, MONDO:0010518, OMIM 301000.
X-linked severe congenital neutropenia (SCNX). Identifiers: Orphanet 86788, MedGen C1845987, MONDO:0010294, OMIM 300299.
Thrombocytopenia 1. Also called: THROMBOCYTOPENIA, X-LINKED, 1; X-Linked Thrombocytopenia (XLT); X-linked thrombocytopenia with normal platelets. Identifiers: Orphanet 268322, Orphanet 852, MedGen C1839163, MONDO:0010743, OMIM 313900.

gnomAD v4.1: 5 of 1,203,111 alleles (0.00042%); highest among the groups gnomAD compares: African/African-American, 0.0035%; no homozygotes.

Submission:

Labcorp Genetics (formerly Invitae), Labcorp
Classification: Uncertain significance for Wiskott-Aldrich syndrome; X-linked severe congenital neutropenia; Thrombocytopenia 1. Last evaluated: 2025-12-31. Review status: criteria provided, single submitter. Criteria: Invitae Variant Classification Sherloc (09022015). Collection method: clinical testing. Allele origin: germline.
Comment: This sequence change replaces alanine, which is neutral and non-polar, with valine, which is neutral and non-polar, at codon 433 of the WAS protein (p.Ala433Val). The frequency data for this variant in the population databases is considered unreliable, as metrics indicate poor data quality at this position in the gnomAD database. This variant has not been reported in the literature in individuals affected with WAS-related conditions. Invitae Evidence Modeling of protein sequence and biophysical properties (such as structural, functional, and spatial information, amino acid conservation, physicochemical variation, residue mobility, and thermodynamic stability) indicates that this missense variant is not expected to disrupt WAS protein function with a negative predictive value of 80%. In summary, the available evidence is currently insufficient to determine the role of this variant in disease. Therefore, it has been classified as a Variant of Uncertain Significance.